The following is an entry in ClinVar:

NM_139276.3(STAT3):c.2138T>C (p.Val713Ala)

Gene: STAT3 (signal transducer and activator of transcription 3; minus strand). Cytogenetic location: 17q21.2.
Variant type: single nucleotide variant.
Coding change: c.2138T>C on transcript NM_139276.3 (MANE Select); coding-DNA position 2138, T replaced by C.
Protein change: p.Val713Ala; replaces valine 713 with alanine.
Molecular consequence: missense variant. On other transcripts: intron variant (1).
Genome position (GRCh38, 1-based): chr17:42,317,188, A>G on the plus strand (T>C on the coding strand, the complement: STAT3 is on the minus strand). VCF-style: chr17-42317188-A-G. GRCh37 (hg19) VCF-style: chr17-40469206-A-G.
Other names: c.2138T>C, p.Val713Ala (NM_001369512.1, NM_001369513.1, NM_001369517.1 and 3 more transcripts); c.2135T>C, p.Val712Ala (NM_001369514.1, NM_001369516.1, NM_001369519.1 and 2 more transcripts); c.2054T>C, p.Val685Ala (NM_001384984.1); c.2060T>C, p.Val687Ala (NM_001384985.1); c.2150T>C, p.Val717Ala (NM_001384986.1); c.2117T>C, p.Val706Ala (NM_001384987.1); c.2039T>C, p.Val680Ala (NM_001384989.1); c.2153T>C, p.Val718Ala (NM_001384990.1); and 3 more; short protein forms V680A, V685A, V687A, V693A, V704A, V706A, V712A, V713A.
Identifiers: ClinVar variation 1063518 (VCV001063518.9), dbSNP rs2144622702, ClinGen allele CA399580182.

ClinVar aggregate classification (germline): Uncertain significance (1 of 4 stars; one submission).

Conditions:
STAT3 gain of function. Identifiers: MedGen C4288261.
Hyper-IgE recurrent infection syndrome 1, autosomal dominant. Also called: JOB SYNDROME; STAT3 Hyper IgE Syndrome; Job's Syndrome; Hyper-IgE recurrent infection syndrome 1; HYPER-IgE SYNDROME 1, AUTOSOMAL DOMINANT, WITH RECURRENT INFECTIONS. Identifiers: Orphanet 2314, MedGen C2936739, MONDO:0007818, OMIM 147060.

Submission:

Labcorp Genetics (formerly Invitae), Labcorp
Classification: Uncertain significance for STAT3 gain of function; Hyper-IgE recurrent infection syndrome 1, autosomal dominant. Last evaluated: 2020-04-01. Review status: criteria provided, single submitter. Criteria: Invitae Variant Classification Sherloc (09022015). Collection method: clinical testing. Allele origin: germline.
Comment: This sequence change replaces valine with alanine at codon 713 of the STAT3 protein (p.Val713Ala). The valine residue is highly conserved and there is a small physicochemical difference between valine and alanine. This variant is not present in population databases (ExAC no frequency). This variant has not been reported in the literature in individuals with STAT3-related conditions. In summary, the available evidence is currently insufficient to determine the role of this variant in disease. Therefore, it has been classified as a Variant of Uncertain Significance. This variant disrupts the p.Val713 amino acid residue in STAT3. Other variant(s) that disrupt this residue have been observed in individuals with STAT3-related conditions (PMID: 18602572, 22751495, 25739182), which suggests that this may be a clinically significant amino acid residue. Algorithms developed to predict the effect of missense changes on protein structure and function are either unavailable or do not agree on the potential impact of this missense change (SIFT: "Deleterious"; PolyPhen-2: "Possibly Damaging"; Align-GVGD: "Class C0").

Literature cited by the submitters: PubMed 18602572; PubMed 22751495; PubMed 25739182.